The following is an entry in ClinVar:

ClinVar aggregate classification (germline): Uncertain significance (1 of 4 stars; one submission).

Conditions:
Epidermolysis bullosa simplex 3, localized or generalized intermediate, with BP230 deficiency (EBS3). Also called: Epidermolysis bullosa simplex due to BP230 deficiency; Epidermolysis bullosa simplex, autosomal recessive 2. Identifiers: Orphanet 412181, MedGen C3809470, MONDO:0014180, OMIM 615425.
Hereditary sensory and autonomic neuropathy type 6. Also called: HSAN VI; Neuropathy, hereditary sensory and autonomic, type VI. Identifiers: Orphanet 314381, MedGen C3539003, MONDO:0013839, OMIM 614653.

Allele frequency attached by ClinVar (database versions not stated): gnomAD exomes below 0.00001; TOPMed below 0.00001; ExAC 0.00001; gnomAD 0.00001.
gnomAD v4.1: 1 of 1,601,962 alleles (0.000062%); highest among the groups gnomAD compares: Admixed American, 0.0017%; no homozygotes.

Submission:

Labcorp Genetics (formerly Invitae), Labcorp
Classification: Uncertain significance for Epidermolysis bullosa simplex 3, localized or generalized intermediate, with BP230 deficiency; Hereditary sensory and autonomic neuropathy type 6. Last evaluated: 2021-11-06. Review status: criteria provided, single submitter. Criteria: Invitae Variant Classification Sherloc (09022015). Collection method: clinical testing. Allele origin: germline.
Comment: The DST gene has multiple clinically relevant transcripts. This variant occurs in alternate transcript NM_015548.4, and corresponds to NM_001723.5:c.*85403A>G in the primary transcript. This sequence change replaces isoleucine, which is neutral and non-polar, with valine, which is neutral and non-polar, at codon 3087 of the DST protein (p.Ile3087Val). This variant is present in population databases (rs748675779, gnomAD 0.1%). This variant has not been reported in the literature in individuals affected with DST-related conditions. Experimental studies and prediction algorithms are not available or were not evaluated, and the functional significance of this variant is currently unknown. In summary, the available evidence is currently insufficient to determine the role of this variant in disease. Therefore, it has been classified as a Variant of Uncertain Significance.

NM_001374736.1(DST):c.17128A>G (p.Ile5710Val)

Gene: DST (dystonin; minus strand). Cytogenetic location: 6p12.1.
Variant type: single nucleotide variant.
Coding change: c.17128A>G on transcript NM_001374736.1 (MANE Select); coding-DNA position 17128, A replaced by G.
Protein change: p.Ile5710Val; replaces isoleucine 5710 with valine.
Molecular consequence: missense variant.
Genome position (GRCh38, 1-based): chr6:56,530,114, T>C on the plus strand (A>G on the coding strand, the complement: DST is on the minus strand). VCF-style: chr6-56530114-T-C. GRCh37 (hg19) VCF-style: chr6-56394912-T-C.
Other names: c.10771A>G, p.Ile3591Val (NM_001144769.5); c.10357A>G, p.Ile3453Val (NM_001144770.2); c.17128A>G, p.Ile5710Val (NM_001374722.1); c.16495A>G, p.Ile5499Val (NM_001374729.1); c.10237A>G, p.Ile3413Val (NM_001374730.1, NM_001386100.1, NM_183380.4); c.17155A>G, p.Ile5719Val (NM_001374734.1); c.9259A>G, p.Ile3087Val (NM_015548.5); short protein forms I3087V, I5710V, I5499V, I3453V, I3591V, I3413V, I5719V.
Identifiers: ClinVar variation 1514444 (VCV001514444.3), dbSNP rs748675779, ClinGen allele CA3867511.